The following is an entry in ClinVar:

ClinVar aggregate classification (germline): Uncertain significance. Review status: criteria provided, multiple submitters, no conflicts (2 of 4 stars). 2 submissions from 2 submitters: Uncertain significance (2). Last evaluated 2022-02-09.

Allele frequency attached by ClinVar (database versions not stated): gnomAD exomes below 0.00001.
gnomAD v4.1: 3 of 1,614,178 alleles (0.00019%); highest among the groups gnomAD compares: Non-Finnish European, 0.00025%; no homozygotes.

Submissions (2):

Labcorp Genetics (formerly Invitae), Labcorp
Classification: Uncertain significance. Last evaluated: 2022-02-09. Review status: criteria provided, single submitter. Criteria: Invitae Variant Classification Sherloc (09022015). Collection method: clinical testing. Allele origin: germline.
Comment: This sequence change replaces arginine, which is basic and polar, with glycine, which is neutral and non-polar, at codon 350 of the CNGA3 protein (p.Arg350Gly). This variant is not present in population databases (gnomAD no frequency). In summary, the available evidence is currently insufficient to determine the role of this variant in disease. Therefore, it has been classified as a Variant of Uncertain Significance. Algorithms developed to predict the effect of missense changes on protein structure and function (SIFT, PolyPhen-2, Align-GVGD) all suggest that this variant is likely to be disruptive. ClinVar contains an entry for this variant (Variation ID: 866647). This missense change has been observed in individual(s) with clinical features of CNGA3-related conditions (Invitae).

Blueprint Genetics
Classification: Uncertain significance. Last evaluated: 2019-07-17. Review status: criteria provided, single submitter. Criteria: ACMG Guidelines, 2015. Collection method: clinical testing. Allele origin: germline.

NM_001298.3(CNGA3):c.1048A>G (p.Arg350Gly)

Gene: CNGA3 (cyclic nucleotide gated channel subunit alpha 3; plus strand). Cytogenetic location: 2q11.2.
Variant type: single nucleotide variant.
Coding change: c.1048A>G on transcript NM_001298.3 (MANE Select); coding-DNA position 1048, A replaced by G.
Protein change: p.Arg350Gly; replaces arginine 350 with glycine.
Molecular consequence: missense variant.
Genome position (GRCh38, 1-based): chr2:98,396,218, A>G. VCF-style: chr2-98396218-A-G. GRCh37 (hg19) VCF-style: chr2-99012681-A-G.
Other names: c.994A>G, p.Arg332Gly (NM_001079878.2); short protein forms R350G, R332G.
Identifiers: ClinVar variation 866647 (VCV000866647.13), dbSNP rs1692908768, ClinGen allele CA347832714.